The following is an entry in ClinVar:

ClinVar aggregate classification (germline): Uncertain significance. Review status: criteria provided, multiple submitters, no conflicts (2 of 4 stars). 4 submissions from 4 submitters: Uncertain significance (4). Last evaluated 2025-03-31.

Conditions:
Familial thoracic aortic aneurysm and aortic dissection (TAAD). Also called: Thoracic aortic aneurysms and dissections. Identifiers: Orphanet 91387, MedGen C4707243, MONDO:0019625.
Aortic aneurysm, familial thoracic 7 (AAT7). Also called: AORTIC DISSECTION, FAMILIAL, WITH OR WITHOUT AORTIC ANEURYSM. Identifiers: MedGen C3151077, MONDO:0013418, OMIM 613780.

Allele frequency attached by ClinVar (database versions not stated): ExAC 0.00001; gnomAD 0.00001; gnomAD exomes 0.00002; TOPMed 0.00002; 1000 Genomes Project 30x 0.00016; 1000 Genomes Project 0.00020.
gnomAD v4.1: 18 of 1,614,038 alleles (0.0011%); highest among the groups gnomAD compares: South Asian, 0.0022%; no homozygotes.

Submissions (4):

Labcorp Genetics (formerly Invitae), Labcorp
Classification: Uncertain significance for Aortic aneurysm, familial thoracic 7. Last evaluated: 2025-03-31. Review status: criteria provided, single submitter. Criteria: Invitae Variant Classification Sherloc (09022015). Collection method: clinical testing. Allele origin: germline.
Comment: This sequence change replaces glycine, which is neutral and non-polar, with arginine, which is basic and polar, at codon 1874 of the MYLK protein (p.Gly1874Arg). This variant is present in population databases (rs532767014, gnomAD 0.008%). This variant has not been reported in the literature in individuals affected with MYLK-related conditions. ClinVar contains an entry for this variant (Variation ID: 1194290). Invitae Evidence Modeling of protein sequence and biophysical properties (such as structural, functional, and spatial information, amino acid conservation, physicochemical variation, residue mobility, and thermodynamic stability) indicates that this missense variant is not expected to disrupt MYLK protein function with a negative predictive value of 80%. In summary, the available evidence is currently insufficient to determine the role of this variant in disease. Therefore, it has been classified as a Variant of Uncertain Significance.

Ambry Genetics
Classification: Uncertain significance for Familial thoracic aortic aneurysm and aortic dissection. Last evaluated: 2023-06-16. Review status: criteria provided, single submitter. Criteria: Ambry Variant Classification Scheme 2023. Collection method: clinical testing. Allele origin: germline.
Comment: The p.G1874R variant (also known as c.5620G>A), located in coding exon 31 of the MYLK gene, results from a G to A substitution at nucleotide position 5620. The glycine at codon 1874 is replaced by arginine, an amino acid with dissimilar properties. This amino acid position is conserved. In addition, the in silico prediction for this alteration is inconclusive. Since supporting evidence is limited at this time, the clinical significance of this alteration remains unclear.

Women's Health and Genetics/Laboratory Corporation of America, LabCorp
Classification: Uncertain significance. Last evaluated: 2021-12-20. Review status: criteria provided, single submitter. Criteria: LabCorp Variant Classification Summary - May 2015. Collection method: clinical testing. Allele origin: germline.
Comment: Variant summary: MYLK c.5620G>A (p.Gly1874Arg) results in a non-conservative amino acid change located in the Immunoglobulin subtype 2 domain (IPR003598) of the encoded protein sequence. Four of five in-silico tools predict a damaging effect of the variant on protein function. The variant allele was found at a frequency of 1.6e-05 in 251448 control chromosomes, however, the available data on variant occurrences in the general population are insufficient to allow any conclusion about variant significance. To our knowledge, no occurrence of c.5620G>A in individuals affected with Thoracic Aortic Aneurysms And Dissections and no experimental evidence demonstrating its impact on protein function have been reported. One ClinVar submitter has assessed the variant since 2014: the variant was classified as of uncertain significance. Based on the evidence outlined above, the variant was classified as uncertain significance.

GeneDx
Classification: Uncertain significance. Last evaluated: 2018-10-24. Review status: criteria provided, single submitter. Criteria: GeneDx Variant Classification Process June 2021. Collection method: clinical testing. Allele origin: germline. Affected: yes.
Comment: Not observed at a significant frequency in large population cohorts (Lek et al., 2016); In silico analysis, which includes protein predictors and evolutionary conservation, supports a deleterious effect; Has not been previously published as pathogenic or benign to our knowledge

NM_053025.4(MYLK):c.5620G>A (p.Gly1874Arg)

Genes: MYLK-AS1 (MYLK antisense RNA 1; plus strand), MYLK (myosin light chain kinase; minus strand). Cytogenetic location: 3q21.1.
Variant type: single nucleotide variant.
Coding change: c.5620G>A on transcript NM_053025.4 (MANE Select); coding-DNA position 5620, G replaced by A.
Protein change: p.Gly1874Arg; replaces glycine 1874 with arginine.
Molecular consequence: missense variant.
Genome position (GRCh38, 1-based): chr3:123,614,230, C>T on the plus strand (G>A on the coding strand, the complement: MYLK is on the minus strand). VCF-style: chr3-123614230-C-T. GRCh37 (hg19) VCF-style: chr3-123333077-C-T.
Other names: c.5260G>A, p.Gly1754Arg (NM_053028.4); c.337G>A, p.Gly113Arg (NM_053031.4); c.340G>A, p.Gly114Arg (NM_053032.4); c.5092G>A, p.Gly1698Arg (NM_001321309.2); c.5413G>A, p.Gly1805Arg (NM_053026.4); c.5467G>A, p.Gly1823Arg (NM_053027.4); short protein forms G113R, G114R, G1698R, G1754R, G1805R, G1823R, G1874R.
Identifiers: ClinVar variation 1194290 (VCV001194290.10), dbSNP rs532767014, ClinGen allele CA073150.